The following is an entry in ClinVar:

ClinVar aggregate classification (germline): Uncertain significance (1 of 4 stars; one submission).

Conditions:
Inborn genetic diseases. Identifiers: MedGen C0950123, MeSH D030342.

gnomAD v4.1: 1 of 1,614,050 alleles (0.000062%); highest among the groups gnomAD compares: Non-Finnish European, 0.000085%; no homozygotes.

Submission:

Ambry Genetics
Classification: Uncertain significance for Inborn genetic diseases. Last evaluated: 2025-07-13. Review status: criteria provided, single submitter. Criteria: Ambry Variant Classification Scheme 2023. Collection method: clinical testing. Allele origin: germline.
Comment: The p.Q353P variant (also known as c.1058A>C), located in coding exon 5 of the SH2B3 gene, results from an A to C substitution at nucleotide position 1058. The glutamine at codon 353 is replaced by proline, an amino acid with similar properties. This amino acid position is conserved. In addition, this alteration is predicted to be tolerated by in silico analysis. Based on the available evidence, the clinical significance of this variant remains unclear.

NM_005475.3(SH2B3):c.1058A>C (p.Gln353Pro)

Gene: SH2B3 (SH2B adaptor protein 3; plus strand). Cytogenetic location: 12q24.12.
Variant type: single nucleotide variant.
Coding change: c.1058A>C on transcript NM_005475.3 (MANE Select); coding-DNA position 1058, A replaced by C.
Protein change: p.Gln353Pro; replaces glutamine 353 with proline.
Molecular consequence: missense variant.
Genome position (GRCh38, 1-based): chr12:111,447,366, A>C. VCF-style: chr12-111447366-A-C. GRCh37 (hg19) VCF-style: chr12-111885170-A-C.
Other names: c.452A>C, p.Gln151Pro (NM_001291424.1); short protein forms Q151P, Q353P.
Identifiers: ClinVar variation 4163944 (VCV004163944.1).